The following is an entry in ClinVar:

ClinVar aggregate classification (germline): Uncertain significance (1 of 4 stars; one submission).

Conditions:
Hereditary cancer-predisposing syndrome. Also called: Neoplastic Syndromes, Hereditary; Tumor predisposition; Hereditary neoplastic syndrome; Hereditary Cancer Syndrome. Identifiers: Orphanet 140162, MedGen C0027672, MeSH D009386, MONDO:0015356.

Submission:

Ambry Genetics
Classification: Uncertain significance for Hereditary cancer-predisposing syndrome. Last evaluated: 2023-11-24. Review status: criteria provided, single submitter. Criteria: Ambry Variant Classification Scheme 2023. Collection method: clinical testing. Allele origin: germline.
Comment: The p.M140I variant (also known as c.420G>T), located in coding exon 4 of the RAD50 gene, results from a G to T substitution at nucleotide position 420. The methionine at codon 140 is replaced by isoleucine, an amino acid with highly similar properties. This amino acid position is highly conserved in available vertebrate species. In addition, the in silico prediction for this alteration is inconclusive. Since supporting evidence is limited at this time, the clinical significance of this alteration remains unclear.

NM_005732.4(RAD50):c.420G>T (p.Met140Ile)

Gene: RAD50 (RAD50 double strand break repair protein; plus strand). Cytogenetic location: 5q31.1.
Variant type: single nucleotide variant.
Coding change: c.420G>T on transcript NM_005732.4 (MANE Select); coding-DNA position 420, G replaced by T.
Protein change: p.Met140Ile; replaces methionine 140 with isoleucine.
Molecular consequence: missense variant.
Genome position (GRCh38, 1-based): chr5:132,579,371, G>T. VCF-style: chr5-132579371-G-T. GRCh37 (hg19) VCF-style: chr5-131915063-G-T.
Other names: short protein forms M140I.
Identifiers: ClinVar variation 824683 (VCV000824683.4), dbSNP rs1580987183, ClinGen allele CA360933799.